The following is an entry in ClinVar:

ClinVar aggregate classification (germline): Uncertain significance. Review status: criteria provided, multiple submitters, no conflicts (2 of 4 stars). 2 submissions from 2 submitters: Uncertain significance (2). Last evaluated 2025-03-05.

Conditions:
Hereditary cancer-predisposing syndrome. Also called: Neoplastic Syndromes, Hereditary; Tumor predisposition; Hereditary Cancer Syndrome; Hereditary neoplastic syndrome. Identifiers: Orphanet 140162, MedGen C0027672, MeSH D009386, MONDO:0015356.

Allele frequency attached by ClinVar (database versions not stated): gnomAD 0.00001; TOPMed 0.00001.
gnomAD v4.1: 1 of 1,613,000 alleles (0.000062%); highest among the groups gnomAD compares: Admixed American, 0.0017%; no homozygotes.

Submissions (2):

Ambry Genetics
Classification: Uncertain significance for Hereditary cancer-predisposing syndrome. Last evaluated: 2025-03-05. Review status: criteria provided, single submitter. Criteria: Ambry Variant Classification Scheme 2023. Collection method: clinical testing. Allele origin: germline.
Comment: The p.I505M variant (also known as c.1515A>G), located in coding exon 10 of the RAD50 gene, results from an A to G substitution at nucleotide position 1515. The isoleucine at codon 505 is replaced by methionine, an amino acid with highly similar properties. This amino acid position is poorly conserved in available vertebrate species. In addition, this alteration is predicted to be tolerated by in silico analysis. Since supporting evidence is limited at this time, the clinical significance of this alteration remains unclear.

Labcorp Genetics (formerly Invitae), Labcorp
Classification: Uncertain significance for Hereditary cancer-predisposing syndrome. Last evaluated: 2022-10-25. Review status: criteria provided, single submitter. Criteria: Invitae Variant Classification Sherloc (09022015). Collection method: clinical testing. Allele origin: germline.
Comment: This variant is not present in population databases (gnomAD no frequency). This sequence change replaces isoleucine, which is neutral and non-polar, with methionine, which is neutral and non-polar, at codon 505 of the RAD50 protein (p.Ile505Met). This variant has not been reported in the literature in individuals affected with RAD50-related conditions. ClinVar contains an entry for this variant (Variation ID: 484727). Advanced modeling of protein sequence and biophysical properties (such as structural, functional, and spatial information, amino acid conservation, physicochemical variation, residue mobility, and thermodynamic stability) performed at Invitae indicates that this missense variant is not expected to disrupt RAD50 protein function. In summary, the available evidence is currently insufficient to determine the role of this variant in disease. Therefore, it has been classified as a Variant of Uncertain Significance.

NM_005732.4(RAD50):c.1515A>G (p.Ile505Met)

Gene: RAD50 (RAD50 double strand break repair protein; plus strand). Cytogenetic location: 5q31.1.
Variant type: single nucleotide variant.
Coding change: c.1515A>G on transcript NM_005732.4 (MANE Select); coding-DNA position 1515, A replaced by G.
Protein change: p.Ile505Met; replaces isoleucine 505 with methionine.
Molecular consequence: missense variant.
Genome position (GRCh38, 1-based): chr5:132,591,286, A>G. VCF-style: chr5-132591286-A-G. GRCh37 (hg19) VCF-style: chr5-131926978-A-G.
Other names: short protein forms I505M.
Identifiers: ClinVar variation 484727 (VCV000484727.14), dbSNP rs1332961005, ClinGen allele CA360945666.